The following is an entry in ClinVar:

ClinVar aggregate classification (germline): Uncertain significance (1 of 4 stars; one submission).

Conditions:
Hereditary cancer-predisposing syndrome. Also called: Hereditary Cancer Syndrome; Hereditary neoplastic syndrome; Neoplastic Syndromes, Hereditary; Tumor predisposition. Identifiers: Orphanet 140162, MedGen C0027672, MeSH D009386, MONDO:0015356.

Allele frequency attached by ClinVar (database versions not stated): gnomAD exomes below 0.00001.

Submission:

Ambry Genetics
Classification: Uncertain significance for Hereditary cancer-predisposing syndrome. Last evaluated: 2025-12-07. Review status: criteria provided, single submitter. Criteria: Ambry Variant Classification Scheme 2023. Collection method: clinical testing. Allele origin: germline.
Comment: The p.H522R variant (also known as c.1565A>G), located in coding exon 5 of the AXIN2 gene, results from an A to G substitution at nucleotide position 1565. The histidine at codon 522 is replaced by arginine, an amino acid with highly similar properties. This amino acid position is highly conserved in available vertebrate species. In addition, the in silico prediction for this alteration is inconclusive. Since supporting evidence is limited at this time, the clinical significance of this alteration remains unclear.

NM_004655.4(AXIN2):c.1565A>G (p.His522Arg)

Gene: AXIN2 (axin 2; minus strand). Cytogenetic location: 17q24.1.
Variant type: single nucleotide variant.
Coding change: c.1565A>G on transcript NM_004655.4 (MANE Select); coding-DNA position 1565, A replaced by G.
Protein change: p.His522Arg; replaces histidine 522 with arginine.
Molecular consequence: missense variant.
Genome position (GRCh38, 1-based): chr17:65,537,471, T>C on the plus strand (A>G on the coding strand, the complement: AXIN2 is on the minus strand). VCF-style: chr17-65537471-T-C. GRCh37 (hg19) VCF-style: chr17-63533589-T-C.
Other names: c.1565A>G, p.His522Arg (NM_001363813.1); short protein forms H522R.
Identifiers: ClinVar variation 1775346 (VCV001775346.3), dbSNP rs2043949211, ClinGen allele CA400677250.
Genomic context (GRCh38, chr17:65,537,471, plus strand): 5'-AAGCAGTGCACCCGCTGCGTGGCCTCCGCCTCGATCTCCTCCTTGGTCTTGGGGACGGCA[T>C]GGTGGTGGATGTAGTGGTGGTGGACATGCTTCGTCGTCTGCTTGGTCACAAAGCCTTTGC-3'
Protein context (NP_004646.3, residues 512-532): KHVHHHYIHH[His522Arg]AVPKTKEEIE